The following is an entry in ClinVar:

NM_015030.2(FRYL):c.7766A>T (p.Gln2589Leu)

Gene: FRYL (FRY like transcription coactivator; minus strand). Cytogenetic location: 4p11.
Variant type: single nucleotide variant.
Coding change: c.7766A>T on transcript NM_015030.2 (MANE Select); coding-DNA position 7766, A replaced by T.
Protein change: p.Gln2589Leu; replaces glutamine 2589 with leucine.
Molecular consequence: missense variant.
Genome position (GRCh38, 1-based): chr4:48,515,199, T>A on the plus strand (A>T on the coding strand, the complement: FRYL is on the minus strand). VCF-style: chr4-48515199-T-A. GRCh37 (hg19) VCF-style: chr4-48517216-T-A.
Other names: c.7766A>T (NM_015030.1); short protein forms Q2589L.
Identifiers: ClinVar variation 3697056 (VCV003697056.3).
Genomic context (GRCh38, chr4:48,515,199, plus strand): 5'-AGAGGCTCTGGCATTTCAGTTTCTTCTAAATCAAGAATTCCTTGACACACAAGAGATTCC[T>A]GCTGTTCTTGAATTATATAGGATCCTTCATCTTCAAAGGTTGTAACATGTTCCTCCTTTA-3'
Protein context (NP_055845.1, residues 2579-2599): DEGSYIIQEQ[Gln2589Leu]ESLVCQGILD

ClinVar aggregate classification (germline): Uncertain significance. Review status: criteria provided, multiple submitters, no conflicts (2 of 4 stars). 2 submissions from 2 submitters: Uncertain significance (2). Last evaluated 2025-11-12.

gnomAD v4.1: 2 of 1,613,646 alleles (0.00012%); highest among the groups gnomAD compares: Admixed American, 0.0033%; no homozygotes.

Submissions (2):

Ambry Genetics
Classification: Uncertain significance. Last evaluated: 2025-11-12. Review status: criteria provided, single submitter. Criteria: Ambry Variant Classification Scheme 2023. Collection method: clinical testing. Allele origin: germline.

Labcorp Genetics (formerly Invitae), Labcorp
Classification: Uncertain significance. Last evaluated: 2024-09-21. Review status: criteria provided, single submitter. Criteria: Invitae Variant Classification Sherloc (09022015). Collection method: clinical testing. Allele origin: germline.
Comment: This sequence change replaces glutamine, which is neutral and polar, with leucine, which is neutral and non-polar, at codon 2589 of the FRYL protein (p.Gln2589Leu). This variant is not present in population databases (gnomAD no frequency). This variant has not been reported in the literature in individuals affected with FRYL-related conditions. An algorithm developed to predict the effect of missense changes on protein structure and function (PolyPhen-2) suggests that this variant is likely to be tolerated. In summary, the available evidence is currently insufficient to determine the role of this variant in disease. Therefore, it has been classified as a Variant of Uncertain Significance.